The following is an entry in ClinVar:

ClinVar aggregate classification (germline): Likely pathogenic (1 of 4 stars; one submission).

Conditions:
Developmental and epileptic encephalopathy, 25 (DEE25). Also called: Epileptic encephalopathy, early infantile, 25; Developmental and epileptic encephalopathy 25, with amelogenesis imperfecta; Epileptic encephalopathy, early infantile, 25, with amelogenesis imperfecta. Identifiers: Orphanet 442835, MedGen C4014621, MONDO:0014392, OMIM 615905.

Submission:

Labcorp Genetics (formerly Invitae), Labcorp
Classification: Likely pathogenic for Developmental and epileptic encephalopathy, 25. Last evaluated: 2026-02-02. Review status: criteria provided, single submitter. Criteria: Invitae Variant Classification Sherloc (09022015). Collection method: clinical testing. Allele origin: germline.
Comment: This sequence change replaces threonine, which is neutral and polar, with asparagine, which is neutral and polar, at codon 460 of the SLC13A5 protein (p.Thr460Asn). This variant is not present in population databases (gnomAD no frequency). This missense change has been observed in individual(s) with clinical features of SLC13A5-related conditions (internal data). In at least one individual the data is consistent with being in trans (on the opposite chromosome) from a pathogenic variant. It has also been observed to segregate with disease in related individuals. ClinVar contains an entry for this variant (Variation ID: 1400875). Invitae Evidence Modeling of protein sequence and biophysical properties (such as structural, functional, and spatial information, amino acid conservation, physicochemical variation, residue mobility, and thermodynamic stability) indicates that this missense variant is expected to disrupt SLC13A5 protein function with a positive predictive value of 80%. In summary, the currently available evidence indicates that the variant is pathogenic, but additional data are needed to prove that conclusively. Therefore, this variant has been classified as Likely Pathogenic.

NM_177550.5(SLC13A5):c.1379C>A (p.Thr460Asn)

Gene: SLC13A5 (solute carrier family 13 member 5; minus strand). Cytogenetic location: 17p13.1.
Variant type: single nucleotide variant.
Coding change: c.1379C>A on transcript NM_177550.5 (MANE Select); coding-DNA position 1379, C replaced by A.
Protein change: p.Thr460Asn; replaces threonine 460 with asparagine.
Molecular consequence: missense variant.
Genome position (GRCh38, 1-based): chr17:6,690,837, G>T on the plus strand (C>A on the coding strand, the complement: SLC13A5 is on the minus strand). VCF-style: chr17-6690837-G-T. GRCh37 (hg19) VCF-style: chr17-6594156-G-T.
Other names: c.1379C>A, p.Thr460Asn (NM_001143838.3); c.1328C>A, p.Thr443Asn (NM_001284509.2); c.1250C>A, p.Thr417Asn (NM_001284510.2); short protein forms T460N, T443N, T417N.
Identifiers: ClinVar variation 1400875 (VCV001400875.6), dbSNP rs2150964787, ClinGen allele CA397739651.